The following is an entry in ClinVar:

NM_007194.4(CHEK2):c.1106T>G (p.Phe369Cys)

Gene: CHEK2 (checkpoint kinase 2; minus strand). Cytogenetic location: 22q12.1.
Variant type: single nucleotide variant.
Coding change: c.1106T>G on transcript NM_007194.4 (MANE Select); coding-DNA position 1106, T replaced by G.
Protein change: p.Phe369Cys; replaces phenylalanine 369 with cysteine.
Molecular consequence: missense variant.
Genome position (GRCh38, 1-based): chr22:28,695,863, A>C on the plus strand (T>G on the coding strand, the complement: CHEK2 is on the minus strand). VCF-style: chr22-28695863-A-C. GRCh37 (hg19) VCF-style: chr22-29091851-A-C.
Other names: c.1235T>G, p.Phe412Cys (NM_001005735.3); c.443T>G, p.Phe148Cys (NM_001257387.3); c.905T>G, p.Phe302Cys (NM_001349956.3); c.1019T>G, p.Phe340Cys (NM_145862.3); short protein forms F340C, F148C, F302C, F369C, F412C.
Identifiers: ClinVar variation 1793814 (VCV001793814.2), dbSNP rs2145806968, ClinGen allele CA411097159.

ClinVar aggregate classification (germline): Uncertain significance (1 of 4 stars; one submission).

Conditions:
Hereditary cancer-predisposing syndrome. Also called: Tumor predisposition; Hereditary Cancer Syndrome; Neoplastic Syndromes, Hereditary; Hereditary neoplastic syndrome. Identifiers: Orphanet 140162, MedGen C0027672, MeSH D009386, MONDO:0015356.

Submission:

Ambry Genetics
Classification: Uncertain significance for Hereditary cancer-predisposing syndrome. Last evaluated: 2021-04-28. Review status: criteria provided, single submitter. Criteria: Ambry Variant Classification Scheme 2023. Collection method: clinical testing. Allele origin: germline.
Comment: The p.F369C variant (also known as c.1106T>G), located in coding exon 10 of the CHEK2 gene, results from a T to G substitution at nucleotide position 1106. The phenylalanine at codon 369 is replaced by cysteine, an amino acid with highly dissimilar properties. This amino acid position is highly conserved in available vertebrate species. In addition, this alteration is predicted to be deleterious by in silico analysis. Since supporting evidence is limited at this time, the clinical significance of this alteration remains unclear.